The following is an entry in ClinVar:

ClinVar aggregate classification (germline): Uncertain significance. Review status: criteria provided, multiple submitters, no conflicts (2 of 4 stars). 2 submissions from 2 submitters: Uncertain significance (2). Last evaluated 2025-05-28.

Allele frequency attached by ClinVar (database versions not stated): gnomAD exomes 0.00002 and 0.00006; gnomAD 0.00005; TOPMed 0.00006; ExAC 0.00008; ESP Exome Variant Server 0.00015; 1000 Genomes Project 30x 0.00031; 1000 Genomes Project 0.00040.
gnomAD v4.1: 38 of 1,613,756 alleles (0.0024%); highest among the groups gnomAD compares: African/African-American, 0.017%; no homozygotes.

Submissions (2):

Women's Health and Genetics/Laboratory Corporation of America, LabCorp
Classification: Uncertain significance. Last evaluated: 2025-05-28. Review status: criteria provided, single submitter. Criteria: LabCorp Variant Classification Summary - May 2015. Collection method: clinical testing. Allele origin: germline.
Comment: Variant summary: RIPK1 c.332C>T (p.Pro111Leu) results in a non-conservative amino acid change in the encoded protein sequence. Algorithms developed to predict the effect of missense changes on protein structure and function are either unavailable or do not agree on the potential impact of this missense change. The variant allele was found at a frequency of 5.6e-05 in 251314 control chromosomes. This frequency is not significantly higher than estimated for a pathogenic variant in RIPK1 causing Autoinflammation with episodic fever and lymphadenopathy, allowing no conclusion about variant significance. To our knowledge, no occurrence of c.332C>T in individuals affected with Autoinflammation with episodic fever and lymphadenopathy and no experimental evidence demonstrating its impact on protein function have been reported. ClinVar contains an entry for this variant (Variation ID: 1427333). Based on the evidence outlined above, the variant was classified as uncertain significance.

Labcorp Genetics (formerly Invitae), Labcorp
Classification: Uncertain significance. Last evaluated: 2024-06-25. Review status: criteria provided, single submitter. Criteria: Invitae Variant Classification Sherloc (09022015). Collection method: clinical testing. Allele origin: germline.
Comment: This sequence change replaces proline, which is neutral and non-polar, with leucine, which is neutral and non-polar, at codon 111 of the RIPK1 protein (p.Pro111Leu). This variant is present in population databases (rs181459394, gnomAD 0.03%). This variant has not been reported in the literature in individuals affected with RIPK1-related conditions. ClinVar contains an entry for this variant (Variation ID: 1427333). An algorithm developed to predict the effect of missense changes on protein structure and function (PolyPhen-2) suggests that this variant is likely to be disruptive. In summary, the available evidence is currently insufficient to determine the role of this variant in disease. Therefore, it has been classified as a Variant of Uncertain Significance.

NM_001354930.2(RIPK1):c.332C>T (p.Pro111Leu)

Gene: RIPK1 (receptor interacting serine/threonine kinase 1; plus strand). Cytogenetic location: 6p25.2.
Variant type: single nucleotide variant.
Coding change: c.332C>T on transcript NM_001354930.2 (MANE Select); coding-DNA position 332, C replaced by T.
Protein change: p.Pro111Leu; replaces proline 111 with leucine.
Molecular consequence: missense variant. On other transcripts: 5 prime UTR variant (4), intron variant (1).
Genome position (GRCh38, 1-based): chr6:3,080,989, C>T. VCF-style: chr6-3080989-C-T. GRCh37 (hg19) VCF-style: chr6-3081223-C-T.
Other names: c.-272C>T (NM_001317061.3, NM_001354932.2, NM_001354933.2 and 1 more transcripts); c.332C>T, p.Pro111Leu (NM_003804.6); c.322-2096C>T (NM_001354931.2); short protein forms P111L.
Identifiers: ClinVar variation 1427333 (VCV001427333.7), dbSNP rs181459394, ClinGen allele CA3618165.